The following is an entry in ClinVar:

ClinVar aggregate classification (germline): Likely pathogenic (1 of 4 stars; one submission).

Conditions:
Hereditary spastic paraplegia 15 (SPG15). Also called: SPASTIC PARAPLEGIA 15, AUTOSOMAL RECESSIVE; KJELLIN SYNDROME; SPASTIC PARAPLEGIA AND RETINAL DEGENERATION. Identifiers: Orphanet 100996, MedGen C1849128, MONDO:0010044, OMIM 270700.

Submission:

Myriad Genetics, Inc.
Classification: Likely pathogenic for Hereditary spastic paraplegia 15. Last evaluated: 2022-04-02. Review status: criteria provided, single submitter. Criteria: Myriad Women's Health Autosomal Recessive and X-Linked Classification Criteria (2021). Collection method: clinical testing. Allele origin: unknown.
Comment: NM_015346.3(ZFYVE26):c.6692T>A(L2231*) is expected to be pathogenic in the context of spastic paraplegia type 15. This variant is predicted to lead to an abnormal or absent protein product due to the creation of a premature termination codon in ZFYVE26, a gene where loss-of-function variants are known to be pathogenic. Please note: this variant was assessed in the context of healthy population screening.

NM_015346.4(ZFYVE26):c.6692T>A (p.Leu2231Ter)

Gene: ZFYVE26 (zinc finger FYVE-type containing 26; minus strand). Cytogenetic location: 14q24.1.
Variant type: single nucleotide variant.
Coding change: c.6692T>A on transcript NM_015346.4 (MANE Select); coding-DNA position 6692, T replaced by A.
Protein change: p.Leu2231Ter; replaces leucine 2231 with a stop codon.
Molecular consequence: nonsense.
Genome position (GRCh38, 1-based): chr14:67,756,042, A>T on the plus strand (T>A on the coding strand, the complement: ZFYVE26 is on the minus strand). VCF-style: chr14-67756042-A-T. GRCh37 (hg19) VCF-style: chr14-68222759-A-T.
Other names: short protein forms L2231*.
Identifiers: ClinVar variation 1725827 (VCV001725827.2), dbSNP rs2038770461, ClinGen allele CA390161639.